The following is an entry in ClinVar:

NM_016529.6(ATP8A2):c.1782+9C>T

Gene: ATP8A2 (ATPase phospholipid transporting 8A2). Cytogenetic location: 13q12.13.
Variant type: single nucleotide variant.
Coding change: c.1782+9C>T on transcript NM_016529.6 (MANE Select); 9 bases into the intron after coding-DNA position 1782, C replaced by T.
Molecular consequence: intron variant.
Genome position (GRCh38, 1-based): chr13:25,577,147, C>T. VCF-style: chr13-25577147-C-T. GRCh37 (hg19) VCF-style: chr13-26151285-C-T.
Other names: p.?; c.1662+9C>T (NM_001313741.1).
Identifiers: ClinVar variation 787105 (VCV000787105.13), dbSNP rs148688809, ClinGen allele CA6923063.
Genomic context (GRCh38, chr13:25,577,147, plus strand): 5'-TGTAATTGTTCGAACTCCTTCAGGACGACTTCGGCTTTACTGTAAAGGGGCTGTAAGTAC[C>T]GGAGAAGCGTTGTGCGTAGCGGAGTTCTTGGCAGCTTTGTTAATCTGCCGCTTTTCCTAA-3'

ClinVar aggregate classification (germline): Benign. Review status: criteria provided, multiple submitters, no conflicts (2 of 4 stars). 3 submissions from 3 submitters: Benign (3). Last evaluated 2026-01-28.

Allele frequency attached by ClinVar (database versions not stated): gnomAD exomes 0.00056 and 0.00137; ExAC 0.00176; ESP Exome Variant Server 0.00505; gnomAD 0.00551 and 0.00596; TOPMed 0.00593; 1000 Genomes Project 0.00679; 1000 Genomes Project 30x 0.00765.
gnomAD v4.1: 1,695 of 1,612,620 alleles (0.11%); highest among the groups gnomAD compares: African/African-American, 1.9%; 21 homozygotes.

Submissions (3):

Labcorp Genetics (formerly Invitae), Labcorp
Classification: Benign. Last evaluated: 2026-01-28. Review status: criteria provided, single submitter. Criteria: Invitae Variant Classification Sherloc (09022015). Collection method: clinical testing. Allele origin: germline.

Mayo Clinic Laboratories, Mayo Clinic
Classification: Benign. Last evaluated: 2025-08-04. Review status: criteria provided, single submitter. Criteria: ACMG Guidelines, 2015. Collection method: clinical testing. Allele origin: germline. Observed: 1 variant allele.
Comment: BS1, BS2, BP4, BP7

Breakthrough Genomics
Classification: Benign. Review status: criteria provided, single submitter. Criteria: ACMG Guidelines, 2015. Collection method: not provided. Allele origin: germline. Inheritance: Autosomal recessive inheritance. Affected: yes.